The following is an entry in ClinVar:

ClinVar aggregate classification (germline): Likely benign. Review status: criteria provided, single submitter (1 of 4 stars). 2 submissions from 2 submitters: Likely benign (1). 1 of the submissions does not count toward it. Last evaluated 2024-10-21.

Conditions:
Cohen syndrome (COH1). Also called: Cutis verticis gyrata, retinitis pigmentosa, and sensorineural deafness; PEPPER SYNDROME. Identifiers: Orphanet 193, MedGen C0265223, MONDO:0008999, OMIM 216550.
VPS13B-related disorder. Also called: VPS13B-related condition.

Allele frequency attached by ClinVar (database versions not stated): gnomAD 0.00001; TOPMed 0.00001.
gnomAD v4.1: 2 of 1,613,806 alleles (0.00012%); highest among the groups gnomAD compares: African/African-American, 0.0027%; no homozygotes.

Submissions (2):

Labcorp Genetics (formerly Invitae), Labcorp
Classification: Likely benign for Cohen syndrome. Last evaluated: 2024-10-21. Review status: criteria provided, single submitter. Criteria: Invitae Variant Classification Sherloc (09022015). Collection method: clinical testing. Allele origin: germline.

PreventionGenetics, part of Exact Sciences
Classification: Likely benign for VPS13B-related condition. Last evaluated: 2022-05-06. Review status: no assertion criteria provided. Collection method: clinical testing. Allele origin: germline. Not counted in ClinVar's aggregate classification.
Comment: This variant is classified as likely benign based on ACMG/AMP sequence variant interpretation guidelines (Richards et al. 2015 PMID: 25741868, with internal and published modifications).

NM_152564.5(VPS13B):c.8700T>C (p.Pro2900=)

Gene: VPS13B (vacuolar protein sorting 13 homolog B; plus strand). Cytogenetic location: 8q22.2.
Variant type: single nucleotide variant.
Coding change: c.8700T>C on transcript NM_152564.5 (MANE Select); coding-DNA position 8700, T replaced by C.
Protein change: p.Pro2900=; no amino-acid change (proline 2900 retained).
Molecular consequence: synonymous variant.
Genome position (GRCh38, 1-based): chr8:99,819,490, T>C. VCF-style: chr8-99819490-T-C. GRCh37 (hg19) VCF-style: chr8-100831718-T-C.
Other names: c.8775T>C, p.Pro2925= (NM_017890.5); c.8700T>C (NM_152564.4).
Identifiers: ClinVar variation 1123771 (VCV001123771.12), dbSNP rs1316265619, ClinGen allele CA462339486.